The following is an entry in ClinVar:

ClinVar aggregate classification (germline): Likely benign (1 of 4 stars; one submission).

Submission:

GeneDx
Classification: Likely benign. Last evaluated: 2016-06-22. Review status: criteria provided, single submitter. Criteria: GeneDx Variant Classification (06012015). Collection method: clinical testing. Allele origin: germline. Affected: yes.
Comment: This variant is considered likely benign or benign based on one or more of the following criteria: it is a conservative change, it occurs at a poorly conserved position in the protein, it is predicted to be benign by multiple in silico algorithms, and/or has population frequency not consistent with disease.

NM_000337.6(SGCD):c.-80G>T

Gene: SGCD (sarcoglycan delta; plus strand). Cytogenetic location: 5q33.3.
Variant type: single nucleotide variant.
Coding change: c.-80G>T on transcript NM_000337.6 (MANE Select); 80 bases upstream of the start codon, G replaced by T.
Molecular consequence: 5 prime UTR variant.
Genome position (GRCh38, 1-based): chr5:156,327,196, G>T. VCF-style: chr5-156327196-G-T. GRCh37 (hg19) VCF-style: chr5-155754206-G-T.
Other names: c.-37G>T (NM_001128209.2); c.-80G>T (NM_172244.3).
Identifiers: ClinVar variation 387039 (VCV000387039.1), dbSNP rs1057522676, ClinGen allele CA16605292.